The following is an entry in ClinVar:

NM_000836.4(GRIN2D):c.1776G>A (p.Met592Ile)

Gene: GRIN2D (glutamate ionotropic receptor NMDA type subunit 2D; plus strand). Cytogenetic location: 19q13.33.
Variant type: single nucleotide variant.
Coding change: c.1776G>A on transcript NM_000836.4 (MANE Select); coding-DNA position 1776, G replaced by A.
Protein change: p.Met592Ile; replaces methionine 592 with isoleucine.
Molecular consequence: missense variant.
Genome position (GRCh38, 1-based): chr19:48,419,274, G>A. VCF-style: chr19-48419274-G-A. GRCh37 (hg19) VCF-style: chr19-48922531-G-A.
Other names: short protein forms M592I.
Identifiers: ClinVar variation 4070771 (VCV004070771.1).

ClinVar aggregate classification (germline): Uncertain significance (1 of 4 stars; one submission).

Submission:

GeneDx
Classification: Uncertain significance. Last evaluated: 2025-01-21. Review status: criteria provided, single submitter. Criteria: GeneDx Variant Classification Process June 2021. Collection method: clinical testing. Allele origin: germline. Affected: yes.
Comment: Not observed at significant frequency in large population cohorts (gnomAD); In silico analysis supports that this missense variant has a deleterious effect on protein structure/function; Has not been previously published as pathogenic or benign to our knowledge